The following is an entry in ClinVar:

NM_001163435.3(TBCK):c.931+1G>A

Gene: TBCK (TBC1 domain containing kinase; minus strand). Cytogenetic location: 4q24.
Variant type: single nucleotide variant.
Coding change: c.931+1G>A on transcript NM_001163435.3 (MANE Select); the canonical splice donor site of the intron after coding-DNA position 931, G replaced by A.
Molecular consequence: splice donor variant.
Genome position (GRCh38, 1-based): chr4:106,247,138, C>T on the plus strand (G>A on the coding strand, the complement: TBCK is on the minus strand). VCF-style: chr4-106247138-C-T. GRCh37 (hg19) VCF-style: chr4-107168295-C-T.
Other names: c.931+1G>A (NM_001163436.4); c.742+1G>A (NM_033115.5); c.814+1G>A (NM_001163437.3); c.415+1G>A (NM_001290768.2).
Identifiers: ClinVar variation 3344587 (VCV003344587.1).

ClinVar aggregate classification (germline): Likely pathogenic (0 of 4 stars; one submission).

Conditions:
TBCK-related disorder. Also called: TBCK-related disorders; TBCK-related condition.

gnomAD v4.1: 3 of 1,609,584 alleles (0.00019%); highest among the groups gnomAD compares: African/African-American, 0.004%; no homozygotes.

Submission:

PreventionGenetics, part of Exact Sciences
Classification: Likely pathogenic for TBCK-related condition. Last evaluated: 2024-06-28. Review status: no assertion criteria provided. Collection method: clinical testing. Allele origin: germline.
Comment: The TBCK c.931+1G>A variant is predicted to disrupt the GT donor site and interfere with normal splicing. To our knowledge, this variant has not been reported in the literature. This variant is reported in 0.011% of alleles in individuals of African descent in gnomAD. Variants that disrupt the consensus splice donor site in TBCK are expected to be pathogenic. This variant is interpreted as likely pathogenic.